The following is an entry in ClinVar:

NM_021922.3(FANCE):c.134G>T (p.Gly45Val)

Genes: FANCE (FA complementation group E; plus strand), LOC129996245 (ATAC-STARR-seq lymphoblastoid silent region 17092; plus strand). Cytogenetic location: 6p21.31.
Variant type: single nucleotide variant.
Coding change: c.134G>T on transcript NM_021922.3 (MANE Select); coding-DNA position 134, G replaced by T.
Protein change: p.Gly45Val; replaces glycine 45 with valine.
Molecular consequence: missense variant.
Genome position (GRCh38, 1-based): chr6:35,452,679, G>T. VCF-style: chr6-35452679-G-T. GRCh37 (hg19) VCF-style: chr6-35420456-G-T.
Other names: c.134G>T, p.Gly45Val (NM_001410876.1); short protein forms G45V.
Identifiers: ClinVar variation 2048867 (VCV002048867.5), dbSNP rs1767154708, ClinGen allele CA363770332.
Genomic context (GRCh38, chr6:35,452,679, plus strand): 5'-CCGCCCGCCTCCTGCTGCAGGCGCTGCAGGCGGGGCCTGAGGGGGCGCGGCGCGGCCTGG[G>T]GGTGCTCCGGGCGCTGGGCAGCCGCGGCTGGGAGCCCTTCGACTGGGGTCGCTTGCTCGA-3'
Protein context (NP_068741.1, residues 35-55): AGPEGARRGL[Gly45Val]VLRALGSRGW

ClinVar aggregate classification (germline): Uncertain significance. Review status: criteria provided, multiple submitters, no conflicts (2 of 4 stars). 2 submissions from 2 submitters: Uncertain significance (2). Last evaluated 2025-01-15.

Conditions:
Inborn genetic diseases. Identifiers: MedGen C0950123, MeSH D030342.
Fanconi anemia complementation group E (FANCE). Also called: FANCE-Related Fanconi Anemia. Identifiers: Orphanet 84, MedGen C3160739, MONDO:0010953, OMIM 600901.

Allele frequency attached by ClinVar (database versions not stated): TOPMed below 0.00001; gnomAD 0.00001; gnomAD exomes 0.00001.
gnomAD v4.1: 3 of 1,240,708 alleles (0.00024%); highest among the groups gnomAD compares: Non-Finnish European, 0.0003%; no homozygotes.

Submissions (2):

Ambry Genetics
Classification: Uncertain significance for Inborn genetic diseases. Last evaluated: 2025-01-15. Review status: criteria provided, single submitter. Criteria: Ambry Variant Classification Scheme 2023. Collection method: clinical testing. Allele origin: germline.

Labcorp Genetics (formerly Invitae), Labcorp
Classification: Uncertain significance for Fanconi anemia complementation group E. Last evaluated: 2022-04-24. Review status: criteria provided, single submitter. Criteria: Invitae Variant Classification Sherloc (09022015). Collection method: clinical testing. Allele origin: germline.
Comment: In summary, the available evidence is currently insufficient to determine the role of this variant in disease. Therefore, it has been classified as a Variant of Uncertain Significance. Algorithms developed to predict the effect of missense changes on protein structure and function are either unavailable or do not agree on the potential impact of this missense change (SIFT: "Tolerated"; PolyPhen-2: "Probably Damaging"; Align-GVGD: "Class C0"). This variant has not been reported in the literature in individuals affected with FANCE-related conditions. This variant is not present in population databases (gnomAD no frequency). This sequence change replaces glycine, which is neutral and non-polar, with valine, which is neutral and non-polar, at codon 45 of the FANCE protein (p.Gly45Val).